The following is an entry in ClinVar:

NM_003900.5(SQSTM1):c.*786G>A

Genes: SQSTM1 (sequestosome 1; plus strand), MRNIP (MRN complex interacting protein; minus strand). Cytogenetic location: 5q35.3.
Variant type: single nucleotide variant.
Coding change: c.*786G>A on transcript NM_003900.5 (MANE Select); 786 bases downstream of the stop codon, G replaced by A.
Molecular consequence: 3 prime UTR variant.
Genome position (GRCh38, 1-based): chr5:179,837,379, G>A. VCF-style: chr5-179837379-G-A. GRCh37 (hg19) VCF-style: chr5-179264379-G-A.
Other names: c.*12C>T (NM_001017987.3, NM_016175.4); c.*786G>A (NM_001142298.2, NM_001142299.2).
Identifiers: ClinVar variation 906448 (VCV000906448.4), dbSNP rs73334055, ClinGen allele CA3600968.

ClinVar aggregate classification (germline): Likely benign (1 of 4 stars; one submission).

Conditions:
Paget disease of bone 3. Identifiers: MedGen C4085252, MONDO:0008176, OMIM 167250.

Allele frequency attached by ClinVar (database versions not stated): gnomAD exomes 0.00109 and 0.00331; ExAC 0.00390; gnomAD 0.01108 and 0.01186; TOPMed 0.01207; ESP Exome Variant Server 0.01230; 1000 Genomes Project 0.01358; 1000 Genomes Project 30x 0.01515.
gnomAD v4.1: 3,288 of 1,583,400 alleles (0.21%); highest among the groups gnomAD compares: African/African-American, 3.9%; 67 homozygotes.

Submission:

Illumina Laboratory Services, Illumina
Classification: Likely benign for Paget disease of bone 3. Last evaluated: 2018-01-13. Review status: criteria provided, single submitter. Criteria: ICSL Variant Classification Criteria 13 December 2019. Collection method: clinical testing. Allele origin: germline.
Comment: This variant was observed in the ICSL laboratory as part of a predisposition screen in an ostensibly healthy population. It had not been previously curated by ICSL or reported in the Human Gene Mutation Database (HGMD: prior to June 1st, 2018), and was therefore a candidate for classification through an automated scoring system. Utilizing variant allele frequency, disease prevalence and penetrance estimates, and inheritance mode, an automated score was calculated to assess if this variant is too frequent to cause the disease. Based on the score and internal cut-off values, a variant classified as likely benign is not then subjected to further curation. The score for this variant resulted in a classification of likely benign for this disease.